The following is an entry in ClinVar:

ClinVar aggregate classification (germline): Pathogenic. Review status: criteria provided, multiple submitters, no conflicts (2 of 4 stars). 5 submissions from 5 submitters: Pathogenic (4). 1 of the submissions does not count toward it. Last evaluated 2025-06-14.

Conditions:
Cohen syndrome (COH1). Also called: PEPPER SYNDROME; Cutis verticis gyrata, retinitis pigmentosa, and sensorineural deafness. Identifiers: Orphanet 193, MedGen C0265223, MONDO:0008999, OMIM 216550.
Abnormality of the nervous system. Also called: Congenital nervous system disorder. Identifiers: MedGen C0497552, MONDO:0002320, HP:0000707.

Submissions (5):

Labcorp Genetics (formerly Invitae), Labcorp
Classification: Pathogenic for Cohen syndrome. Last evaluated: 2025-06-14. Review status: criteria provided, single submitter. Criteria: Invitae Variant Classification Sherloc (09022015). Collection method: clinical testing. Allele origin: germline.
Comment: This sequence change creates a premature translational stop signal (p.Phe2293Leufs*24) in the VPS13B gene. It is expected to result in an absent or disrupted protein product. Loss-of-function variants in VPS13B are known to be pathogenic (PMID: 15141358, 16648375, 20461111). This variant is present in population databases (rs761736983, gnomAD 0.003%). This premature translational stop signal has been observed in individual(s) with Cohen syndrome (PMID: 26104215). ClinVar contains an entry for this variant (Variation ID: 817631). For these reasons, this variant has been classified as Pathogenic.

CeGaT Center for Human Genetics Tuebingen
Classification: Pathogenic. Last evaluated: 2023-07-01. Review status: criteria provided, single submitter. Criteria: CeGaT Center For Human Genetics Tuebingen Variant Classification Criteria Version 2. Collection method: clinical testing. Allele origin: germline. Affected: yes. Observed: 2 variant alleles.
Comment: VPS13B: PVS1, PM2

Kariminejad - Najmabadi Pathology & Genetics Center
Classification: Pathogenic for Abnormality of the nervous system. Last evaluated: 2021-07-10. Review status: criteria provided, single submitter. Criteria: ACMG Guidelines, 2015. Collection method: clinical testing. Allele origin: germline. Affected: yes.

GeneDx
Classification: Pathogenic. Last evaluated: 2018-07-12. Review status: criteria provided, single submitter. Criteria: GeneDx Variant Classification (06012015). Collection method: clinical testing. Allele origin: germline. Affected: yes.
Comment: The c.6879delT variant in the VPS13B gene has been reported previously in the homozygous state in multiple affected members of two large Pakistani families with Cohen syndrome (Rafiq et al., 2015). The c.6879delT variant causes a frameshift starting with codon Phenylalanine 2293, changes this amino acid to a Leucine residue, and creates a premature Stop codon at position 24 of the new reading frame, denoted p.Phe2293LeufsX24. This variant is predicted to cause loss of normal protein function either through protein truncation or nonsense-mediated mRNA decay. The c.6879delT variant is observed in 1/30772 (0.003%) alleles from individuals of South Asian background in large population cohorts (Lek et al., 2016). We interpret c.6879delT as a pathogenic variant.

Natera, Inc.
Classification: Pathogenic for Cohen syndrome. Last evaluated: 2020-11-02. Review status: no assertion criteria provided. Collection method: clinical testing. Allele origin: germline. Not counted in ClinVar's aggregate classification.

Literature cited by the submitters: PubMed 15141358 (cited by Labcorp Genetics (formerly Invitae), Labcorp); PubMed 16648375 (cited by Labcorp Genetics (formerly Invitae), Labcorp); PubMed 20461111 (cited by Labcorp Genetics (formerly Invitae), Labcorp); PubMed 26104215 (cited by Labcorp Genetics (formerly Invitae), Labcorp).

NM_152564.5(VPS13B):c.6804del (p.Phe2268fs)

Gene: VPS13B (vacuolar protein sorting 13 homolog B; plus strand). Cytogenetic location: 8q22.2.
Variant type: Deletion.
Coding change: c.6804del on transcript NM_152564.5 (MANE Select); coding-DNA position 6804, one base deleted (T; older notation c.6804delT).
Protein change: p.Phe2268fs; shifts the reading frame from phenylalanine 2268.
Molecular consequence: frameshift variant.
Genome position (GRCh38, 1-based): chr8:99,720,491, T deleted; the last of 3 consecutive T bases (chr8:99,720,489-99,720,491); deleting any one gives the same sequence. VCF-style (leftmost placement, unchanged base first): chr8-99720488-AT-A. GRCh37 (hg19) VCF-style: chr8-100732716-AT-A.
Other names: c.6879del, p.Phe2293fs (NM_017890.5); c.6879delT (NM_017890.5); short protein forms F2293fs, F2268fs.
Identifiers: ClinVar variation 817631 (VCV000817631.49), dbSNP rs761736983, ClinGen allele CA4824093.